The following is an entry in ClinVar:

NM_001042492.3(NF1):c.7425_7439delinsCCTTCCTATAGGTAAG (p.Tyr2476fs)

Gene: NF1 (neurofibromin 1; plus strand). Cytogenetic location: 17q11.2.
Variant type: Indel.
Coding change: c.7425_7439delinsCCTTCCTATAGGTAAG on transcript NM_001042492.3 (MANE Select); coding-DNA positions 7425 to 7439, ATATCCCATTCATCA replaced by CCTTCCTATAGGTAAG.
Protein change: p.Tyr2476fs; shifts the reading frame from tyrosine 2476.
Molecular consequence: frameshift variant.
Genome position (GRCh38, 1-based): chr17:31,350,286-31,350,300, ATATCCCATTCATCA replaced by CCTTCCTATAGGTAAG. VCF-style: chr17-31350286-ATATCCCATTCATCA-CCTTCCTATAGGTAAG. GRCh37 (hg19) VCF-style: chr17-29677304-ATATCCCATTCATCA-CCTTCCTATAGGTAAG.
Other names: c.7362_7376delATATCCCATTCATCAinsCCTTCCTATAGGTAAG, p.Tyr2455Leufs (NM_000267.3); c.7362_7376delinsCCTTCCTATAGGTAAG, p.Tyr2455fs (NM_000267.4); short protein forms Y2455fs, Y2476fs.
Identifiers: ClinVar variation 5037699 (VCV005037699.1).
Genomic context (GRCh38, chr17:31,350,286, plus strand): 5'-AAAACATAGAAAGTCACTTCTTCTTACTGATATTTCAATGGAAAATGTTCCTATGGATAC[ATATCCCATTCATCA>CCTTCCTATAGGTAAG]TGGTGACCCTTCCTATAGGTAAGTGGATTTACTCTCCTATAATTACATAATCATAATCAA-3'

ClinVar aggregate classification (germline): Pathogenic (1 of 4 stars; one submission).

Submission:

GeneDx
Classification: Pathogenic. Last evaluated: 2026-04-13. Review status: criteria provided, single submitter. Criteria: GeneDx Variant Classification Process June 2021. Collection method: clinical testing. Allele origin: germline.
Comment: Frameshift variant predicted to result in protein truncation or nonsense mediated decay in a gene for which loss-of-function is a known mechanism of disease; Not observed at significant frequency in large population cohorts (gnomAD); Has not been previously published as pathogenic or benign to our knowledge